The following is an entry in ClinVar:

ClinVar aggregate classification (germline): Likely pathogenic (1 of 4 stars; one submission).

Submission:

GeneDx
Classification: Likely pathogenic. Last evaluated: 2023-04-07. Review status: criteria provided, single submitter. Criteria: GeneDx Variant Classification Process June 2021. Collection method: clinical testing. Allele origin: germline. Affected: yes.
Comment: Nonsense variant predicted to result in protein truncation or nonsense mediated decay in a gene for which loss of function is a known mechanism of disease; Not observed at significant frequency in large population cohorts (gnomAD); Has not been previously published as pathogenic or benign to our knowledge

NM_000489.6(ATRX):c.5215C>T (p.Arg1739Ter)

Gene: ATRX (ATRX chromatin remodeler; minus strand). Cytogenetic location: Xq21.1.
Variant type: single nucleotide variant.
Coding change: c.5215C>T on transcript NM_000489.6 (MANE Select); coding-DNA position 5215, C replaced by T.
Protein change: p.Arg1739Ter; replaces arginine 1739 with a stop codon.
Molecular consequence: nonsense.
Genome position (GRCh38, 1-based): chrX:77,620,452, G>A on the plus strand (C>T on the coding strand, the complement: ATRX is on the minus strand). VCF-style: chrX-77620452-G-A. GRCh37 (hg19) VCF-style: chrX-76875920-G-A.
Other names: c.5101C>T, p.Arg1701Ter (NM_138270.5); short protein forms R1701*, R1739*.
Identifiers: ClinVar variation 2662565 (VCV002662565.1), dbSNP rs2148270367, ClinGen allele CA413701435.